The following is an entry in ClinVar:

ClinVar aggregate classification (germline): Uncertain significance. Review status: criteria provided, single submitter (1 of 4 stars). 2 submissions from 2 submitters: Uncertain significance (1). 1 of the submissions does not count toward it. Last evaluated 2025-11-07.

Conditions:
TET2-related disorder. Also called: TET2-related condition.

gnomAD v4.1: 17 of 1,614,024 alleles (0.0011%); highest among the groups gnomAD compares: Non-Finnish European, 0.0014%; no homozygotes.

Submissions (2):

Ambry Genetics
Classification: Uncertain significance. Last evaluated: 2025-11-07. Review status: criteria provided, single submitter. Criteria: Ambry Variant Classification Scheme 2023. Collection method: clinical testing. Allele origin: germline.

PreventionGenetics, part of Exact Sciences
Classification: Uncertain significance for TET2-related condition. Last evaluated: 2024-08-23. Review status: no assertion criteria provided. Collection method: clinical testing. Allele origin: germline. Not counted in ClinVar's aggregate classification.
Comment: The TET2 c.806A>T variant is predicted to result in the amino acid substitution p.His269Leu. To our knowledge, this variant has not been reported in the literature. This variant is reported in 0.00088% of alleles in individuals of European (Non-Finnish) descent in gnomAD. At this time, the clinical significance of this variant is uncertain due to the absence of conclusive functional and genetic evidence.

NM_001127208.3(TET2):c.806A>T (p.His269Leu)

Genes: TET2 (tet methylcytosine dioxygenase 2; plus strand), TET2-AS1 (TET2 antisense RNA 1; minus strand). Cytogenetic location: 4q24.
Variant type: single nucleotide variant.
Coding change: c.806A>T on transcript NM_001127208.3 (MANE Select); coding-DNA position 806, A replaced by T.
Protein change: p.His269Leu; replaces histidine 269 with leucine.
Molecular consequence: missense variant.
Genome position (GRCh38, 1-based): chr4:105,234,748, A>T. VCF-style: chr4-105234748-A-T. GRCh37 (hg19) VCF-style: chr4-106155905-A-T.
Other names: c.806A>T, p.His269Leu (NM_017628.4); short protein forms H269L.
Identifiers: ClinVar variation 2631697 (VCV002631697.5), dbSNP rs1173572467, ClinGen allele CA357792999.